The following is an entry in ClinVar:

NM_024675.4(PALB2):c.1073C>T (p.Pro358Leu)

Gene: PALB2 (partner and localizer of BRCA2; minus strand). Cytogenetic location: 16p12.2.
Variant type: single nucleotide variant.
Coding change: c.1073C>T on transcript NM_024675.4 (MANE Select); coding-DNA position 1073, C replaced by T.
Protein change: p.Pro358Leu; replaces proline 358 with leucine.
Molecular consequence: missense variant.
Genome position (GRCh38, 1-based): chr16:23,635,473, G>A on the plus strand (C>T on the coding strand, the complement: PALB2 is on the minus strand). VCF-style: chr16-23635473-G-A. GRCh37 (hg19) VCF-style: chr16-23646794-G-A.
Other names: short protein forms P358L.
Identifiers: ClinVar variation 822122 (VCV000822122.6), dbSNP rs1555461462, ClinGen allele CA395133982.

ClinVar aggregate classification (germline): Conflicting classifications of pathogenicity. Review status: criteria provided, conflicting classifications (1 of 4 stars). 2 submissions from 2 submitters: Uncertain significance (1); Likely benign (1). Last evaluated 2026-01-19.

Conditions:
Hereditary cancer-predisposing syndrome. Also called: Tumor predisposition; Hereditary Cancer Syndrome; Neoplastic Syndromes, Hereditary; Hereditary neoplastic syndrome. Identifiers: Orphanet 140162, MedGen C0027672, MeSH D009386, MONDO:0015356.
Familial cancer of breast. Also called: BREAST CANCER, FAMILIAL; Hereditary breast cancer; hereditary breast carcinoma. Identifiers: Orphanet 227535, MedGen C0346153, MONDO:0016419, OMIM 114480. Disease mechanism: loss of function.

Allele frequency attached by ClinVar (database versions not stated): gnomAD exomes 0.00001.
gnomAD v4.1: 9 of 1,614,050 alleles (0.00056%); highest among the groups gnomAD compares: Non-Finnish European, 0.00076%; no homozygotes.

Submissions (2):

Labcorp Genetics (formerly Invitae), Labcorp
Classification: Uncertain significance for Familial cancer of breast. Last evaluated: 2026-01-19. Review status: criteria provided, single submitter. Criteria: Invitae Variant Classification Sherloc (09022015). Collection method: clinical testing. Allele origin: germline.
Comment: This sequence change replaces proline, which is neutral and non-polar, with leucine, which is neutral and non-polar, at codon 358 of the PALB2 protein (p.Pro358Leu). This variant is not present in population databases (gnomAD no frequency). This variant has not been reported in the literature in individuals affected with PALB2-related conditions. ClinVar contains an entry for this variant (Variation ID: 822122). Invitae Evidence Modeling of protein sequence and biophysical properties (such as structural, functional, and spatial information, amino acid conservation, physicochemical variation, residue mobility, and thermodynamic stability) indicates that this missense variant is not expected to disrupt PALB2 protein function with a negative predictive value of 80%. In summary, the available evidence is currently insufficient to determine the role of this variant in disease. Therefore, it has been classified as a Variant of Uncertain Significance.

Ambry Genetics
Classification: Likely benign for Hereditary cancer-predisposing syndrome. Last evaluated: 2025-03-27. Review status: criteria provided, single submitter. Criteria: Ambry Variant Classification Scheme 2023. Collection method: clinical testing. Allele origin: germline.